The following is an entry in ClinVar:

ClinVar aggregate classification (germline): Conflicting classifications of pathogenicity. Review status: criteria provided, conflicting classifications (1 of 4 stars). 2 submissions from 2 submitters: Uncertain significance (1); Likely benign (1). Last evaluated 2025-08-02.

Conditions:
Inborn genetic diseases. Identifiers: MedGen C0950123, MeSH D030342.

Allele frequency attached by ClinVar (database versions not stated): gnomAD 0.00001.
gnomAD v4.1: 2 of 1,613,658 alleles (0.00012%); highest among the groups gnomAD compares: South Asian, 0.0022%; no homozygotes.

Submissions (2):

Ambry Genetics
Classification: Likely benign for Inborn genetic diseases. Last evaluated: 2025-08-02. Review status: criteria provided, single submitter. Criteria: Ambry Variant Classification Scheme 2023. Collection method: clinical testing. Allele origin: germline.

GeneDx
Classification: Uncertain significance. Last evaluated: 2022-09-22. Review status: criteria provided, single submitter. Criteria: GeneDx Variant Classification Process June 2021. Collection method: clinical testing. Allele origin: germline. Affected: yes.
Comment: Not observed at significant frequency in large population cohorts (gnomAD); In silico analysis supports that this missense variant does not alter protein structure/function; Has not been previously published as pathogenic or benign to our knowledge

NM_024757.5(EHMT1):c.2054T>C (p.Leu685Pro)

Gene: EHMT1 (euchromatic histone lysine methyltransferase 1; plus strand). Cytogenetic location: 9q34.3.
Variant type: single nucleotide variant.
Coding change: c.2054T>C on transcript NM_024757.5 (MANE Select); coding-DNA position 2054, T replaced by C.
Protein change: p.Leu685Pro; replaces leucine 685 with proline.
Molecular consequence: missense variant.
Genome position (GRCh38, 1-based): chr9:137,777,917, T>C. VCF-style: chr9-137777917-T-C. GRCh37 (hg19) VCF-style: chr9-140672369-T-C.
Other names: c.2054T>C, p.Leu685Pro (NM_001145527.2); c.1961T>C, p.Leu654Pro (NM_001354259.2); c.2033T>C, p.Leu678Pro (NM_001354263.2); short protein forms L654P, L678P, L685P.
Identifiers: ClinVar variation 2446107 (VCV002446107.2), dbSNP rs1367225717, ClinGen allele CA375778331.
Genomic context (GRCh38, chr9:137,777,917, plus strand): 5'-CTTTCCCCGATTTCCTCCCCTGAAGTGCTGCCGGGCCACCACTCTCGGAGGACGACAAGC[T>C]GCAGGGTGCAGCCTCCCACGTGCCCGAGGGCTTTGATCCAACGGGACCTGCTGGGCTTGG-3'
Protein context (NP_079033.4, residues 675-695): AGPPLSEDDK[Leu685Pro]QGAASHVPEG